The following is an entry in ClinVar:

ClinVar aggregate classification (germline): Uncertain significance (1 of 4 stars; one submission).

gnomAD v4.1: 72 of 1,614,108 alleles (0.0045%); highest among the groups gnomAD compares: Admixed American, 0.017%; no homozygotes.

Submission:

Quest Diagnostics Nichols Institute San Juan Capistrano
Classification: Uncertain significance. Last evaluated: 2024-10-21. Review status: criteria provided, single submitter. Criteria: Quest Diagnostics criteria. Collection method: clinical testing. Allele origin: unknown.
Comment: The VWF c.657+7G>A variant has not been reported in individuals with VWF-related conditions in the published literature. The frequency of this variant in the general population, 0.000085 (3/35440 chromosomes (Genome Aggregation Database)), is uninformative in the assessment of its pathogenicity. Analysis of this variant using software algorithms for the prediction of the effect of nucleotide changes on VWF mRNA splicing yielded predictions that this variant may result in the gain of a cryptic splice site without affecting the natural splice sites. Based on the available information, we are unable to determine the clinical significance of this variant.

NM_000552.5(VWF):c.657+7G>A

Gene: VWF (von Willebrand factor; minus strand). Cytogenetic location: 12p13.31.
Variant type: single nucleotide variant.
Coding change: c.657+7G>A on transcript NM_000552.5 (MANE Select); 7 bases into the intron after coding-DNA position 657, G replaced by A.
Molecular consequence: intron variant.
Genome position (GRCh38, 1-based): chr12:6,095,453, C>T on the plus strand (G>A on the coding strand, the complement: VWF is on the minus strand). VCF-style: chr12-6095453-C-T. GRCh37 (hg19) VCF-style: chr12-6204619-C-T.
Identifiers: ClinVar variation 3572192 (VCV003572192.1).